The following is an entry in ClinVar:

ClinVar aggregate classification (germline): Benign (1 of 4 stars; one submission).

Conditions:
Tuberous sclerosis 2 (TSC2). Identifiers: Orphanet 805, MedGen C1860707, MONDO:0013199, OMIM 613254.

gnomAD v4.1: 4 of 1,599,108 alleles (0.00025%); highest among the groups gnomAD compares: African/African-American, 0.0053%; no homozygotes.

Submission:

Myriad Genetics, Inc.
Classification: Benign for Tuberous sclerosis 2. Last evaluated: 2025-06-09. Review status: criteria provided, single submitter. Criteria: Myriad Autosomal Dominant, Autosomal Recessive and X-Linked Classification Criteria (2023). Collection method: clinical testing. Allele origin: unknown.
Comment: This variant is considered benign. This variant occurs in the non-coding 3' untranslated region of the gene, and is not expected to impact protein function.

NM_000548.5(TSC2):c.*10C>G

Gene: TSC2 (TSC complex subunit 2; plus strand). Cytogenetic location: 16p13.3.
Variant type: single nucleotide variant.
Coding change: c.*10C>G on transcript NM_000548.5 (MANE Select); 10 bases downstream of the stop codon, C replaced by G.
Molecular consequence: 3 prime UTR variant. On other transcripts: non-coding transcript variant (5).
Genome position (GRCh38, 1-based): chr16:2,088,620, C>G. VCF-style: chr16-2088620-C-G. GRCh37 (hg19) VCF-style: chr16-2138621-C-G.
Other names: c.*10C>G (NM_001077183.3, NM_001114382.3, NM_001318827.2 and 39 more transcripts).
Identifiers: ClinVar variation 4071451 (VCV004071451.1).